The following is an entry in ClinVar:

ClinVar aggregate classification (germline): Uncertain significance (1 of 4 stars; one submission).

Submission:

GeneDx
Classification: Uncertain significance. Last evaluated: 2018-02-13. Review status: criteria provided, single submitter. Criteria: GeneDx Variant Classification Process June 2021. Collection method: clinical testing. Allele origin: germline. Affected: yes.
Comment: Reported previously in association with familial Mediterranean fever (Ebrahimi-Fakhari et al., 2013); Not observed in large population cohorts (Lek et al., 2016); In silico analysis, which includes protein predictors and evolutionary conservation, supports that this variant does not alter protein structure/function; This variant is associated with the following publications: (PMID: 31989427, 23137073)

NM_000243.3(MEFV):c.444G>C (p.Glu148Asp)

Gene: MEFV (MEFV innate immunity regulator, pyrin; minus strand). Cytogenetic location: 16p13.3.
Variant type: single nucleotide variant.
Coding change: c.444G>C on transcript NM_000243.3 (MANE Select); coding-DNA position 444, G replaced by C.
Protein change: p.Glu148Asp; replaces glutamic acid 148 with aspartic acid.
Molecular consequence: missense variant. On other transcripts: intron variant (1).
Genome position (GRCh38, 1-based): chr16:3,254,624, C>G on the plus strand (G>C on the coding strand, the complement: MEFV is on the minus strand). VCF-style: chr16-3254624-C-G. GRCh37 (hg19) VCF-style: chr16-3304624-C-G.
Other names: c.277+1687G>C (NM_001198536.2); short protein forms E148D.
Identifiers: ClinVar variation 1186143 (VCV001186143.2), dbSNP rs2141677476, ClinGen allele CA394481478.
Genomic context (GRCh38, chr16:3,254,624, plus strand): 5'-GCCCTCCGAGGCCTTCTCTCTGCGTTTGCTCAGGGGCTTCCTCGACAGCCCCCTCCCGGC[C>G]TCGGGCTGGCTGCACCGCAGGCTGGCAGCTCCGCCCCCGTACGGCCGAGGGCCGTTCCCC-3'
Protein context (NP_000234.1, residues 138-158): GAASLRCSQP[Glu148Asp]AGRGLSRKPL